The following is an entry in ClinVar:

ClinVar aggregate classification (germline): Pathogenic. Review status: criteria provided, multiple submitters, no conflicts (2 of 4 stars). 3 submissions from 3 submitters: Pathogenic (2). 1 of the submissions does not count toward it. Last evaluated 2025-11-18.

Conditions:
ADAR-related disorder. Also called: ADAR-related disorders; ADAR-related condition.
Aicardi-Goutieres syndrome 6 (AGS6). Identifiers: Orphanet 51, MedGen C3539013, MONDO:0014007, OMIM 615010.
Symmetrical dyschromatosis of extremities (DSH). Also called: DYSCHROMATOSIS SYMMETRICA HEREDITARIA 1; RETICULATE ACROPIGMENTATION OF DOHI; SYMMETRIC DYSCHROMATOSIS OF THE EXTREMITIES; Dyschromatosis symmetrica hereditaria. Identifiers: Orphanet 41, MedGen C0406775, MONDO:0007483, OMIM 127400.

Allele frequency attached by ClinVar (database versions not stated): gnomAD exomes below 0.00001; ExAC 0.00001.
gnomAD v4.1: 3 of 1,614,208 alleles (0.00019%); highest among the groups gnomAD compares: Non-Finnish European, 0.00017%; no homozygotes.

Submissions (3):

Labcorp Genetics (formerly Invitae), Labcorp
Classification: Pathogenic for Aicardi-Goutieres syndrome 6; Symmetrical dyschromatosis of extremities. Last evaluated: 2025-11-18. Review status: criteria provided, single submitter. Criteria: Invitae Variant Classification Sherloc (09022015). Collection method: clinical testing. Allele origin: germline.
Comment: This sequence change creates a premature translational stop signal (p.Arg474*) in the ADAR gene. It is expected to result in an absent or disrupted protein product. Loss-of-function variants in ADAR are known to be pathogenic (PMID: 22974014). This variant is present in population databases (rs121912421, gnomAD 0.0009%). This premature translational stop signal has been observed in individual(s) with dyschromatosis symmetrica hereditaria (PMID: 12916015, 29915444). It has also been observed to segregate with disease in related individuals. ClinVar contains an entry for this variant (Variation ID: 14817). For these reasons, this variant has been classified as Pathogenic.

Blueprint Genetics
Classification: Pathogenic for ADAR-related disorders. Last evaluated: 2022-11-17. Review status: criteria provided, single submitter. Criteria: ACMG Guidelines, 2015. Collection method: clinical testing. Allele origin: germline. Affected: yes. Observed: 1 variant allele.

OMIM
Classification: Pathogenic for DYSCHROMATOSIS SYMMETRICA HEREDITARIA. Last evaluated: 2003-09-01. Review status: no assertion criteria provided. Collection method: literature only. Allele origin: germline. Not counted in ClinVar's aggregate classification.

Literature cited by the submitters: PubMed 22974014 (cited by Labcorp Genetics (formerly Invitae), Labcorp); PubMed 12916015 (cited by Labcorp Genetics (formerly Invitae), Labcorp and OMIM); PubMed 29915444 (cited by Labcorp Genetics (formerly Invitae), Labcorp).

NM_001111.5(ADAR):c.1420C>T (p.Arg474Ter)

Gene: ADAR (adenosine deaminase RNA specific; minus strand). Cytogenetic location: 1q21.3.
Variant type: single nucleotide variant.
Coding change: c.1420C>T on transcript NM_001111.5 (MANE Select); coding-DNA position 1420, C replaced by T.
Protein change: p.Arg474Ter; replaces arginine 474 with a stop codon.
Molecular consequence: nonsense.
Genome position (GRCh38, 1-based): chr1:154,601,222, G>A on the plus strand (C>T on the coding strand, the complement: ADAR is on the minus strand). VCF-style: chr1-154601222-G-A. GRCh37 (hg19) VCF-style: chr1-154573698-G-A.
Other names: c.535C>T, p.Arg179Ter (NM_001025107.3, NM_001193495.2, NM_001365046.1 and 3 more transcripts); c.1447C>T, p.Arg483Ter (NM_001365045.1); c.1420C>T, p.Arg474Ter (NM_015840.4, NM_015841.4, LRG_1212t1); short protein forms R474*, R179*, R483*.
Identifiers: ClinVar variation 14817 (VCV000014817.5), dbSNP rs121912421, ClinGen allele CA124336.